The following is an entry in ClinVar:

ClinVar aggregate classification (germline): Uncertain significance (1 of 4 stars; one submission).

Conditions:
Poirier-Bienvenu neurodevelopmental syndrome (POBINDS). Identifiers: Orphanet 689397, MedGen C5231482, MONDO:0032889, OMIM 618732.

gnomAD v4.1: 1 of 1,613,744 alleles (0.000062%); highest among the groups gnomAD compares: Non-Finnish European, 0.000085%; no homozygotes.

Submission:

Institute of Human Genetics, University of Leipzig Medical Center
Classification: Uncertain significance for Poirier-Bienvenu neurodevelopmental syndrome. Last evaluated: 2026-07-13. Review status: criteria provided, single submitter. Criteria: ACMG Guidelines, 2015. Collection method: clinical testing. Allele origin: unknown. Inheritance: Autosomal dominant inheritance. Affected: yes.
Comment: Criteria applied: PM2_SUP,PP2,PP3_MOD

NM_001320.7(CSNK2B):c.500T>C (p.Leu167Pro)

Gene: CSNK2B (casein kinase 2 beta; plus strand). Cytogenetic location: 6p21.33.
Variant type: single nucleotide variant.
Coding change: c.500T>C on transcript NM_001320.7 (MANE Select); coding-DNA position 500, T replaced by C.
Protein change: p.Leu167Pro; replaces leucine 167 with proline.
Molecular consequence: missense variant.
Genome position (GRCh38, 1-based): chr6:31,669,451, T>C. VCF-style: chr6-31669451-T-C. GRCh37 (hg19) VCF-style: chr6-31637228-T-C.
Other names: c.491T>C, p.Leu164Pro (NM_001282385.2); short protein forms L164P, L167P.
Identifiers: ClinVar variation 4879412 (VCV004879412.1).